The following is an entry in ClinVar:

ClinVar aggregate classification (germline): Pathogenic (1 of 4 stars; one submission).

Conditions:
Primary ciliary dyskinesia 28. Also called: CILIARY DYSKINESIA, PRIMARY, 28, WITH OR WITHOUT SITUS INVERSUS. Identifiers: Orphanet 244, MedGen C3809706, MONDO:0014216, OMIM 615505.

Submission:

Labcorp Genetics (formerly Invitae), Labcorp
Classification: Pathogenic for Primary ciliary dyskinesia 28. Last evaluated: 2024-01-31. Review status: criteria provided, single submitter. Criteria: Invitae Variant Classification Sherloc (09022015). Collection method: clinical testing. Allele origin: germline.
Comment: This sequence change creates a premature translational stop signal (p.Leu740Asnfs*23) in the SPAG1 gene. It is expected to result in an absent or disrupted protein product. Loss-of-function variants in SPAG1 are known to be pathogenic (PMID: 24055112). This variant is not present in population databases (gnomAD no frequency). This variant has not been reported in the literature in individuals affected with SPAG1-related conditions. Algorithms developed to predict the effect of sequence changes on RNA splicing suggest that this variant may disrupt the consensus splice site. For these reasons, this variant has been classified as Pathogenic.

Literature cited by the submitters: PubMed 24055112.

NM_003114.5(SPAG1):c.2217_2218insAA (p.Leu740fs)

Gene: SPAG1 (sperm associated antigen 1; plus strand). Cytogenetic location: 8q22.2.
Variant type: Insertion.
Coding change: c.2217_2218insAA on transcript NM_003114.5 (MANE Select); coding-DNA positions 2217 to 2218, AA inserted.
Protein change: p.Leu740fs; shifts the reading frame from leucine 740.
Molecular consequence: frameshift variant.
Genome position: GRCh38 VCF-style: chr8-100239341-T-TAA. GRCh37 (hg19) VCF-style: chr8-101251569-T-TAA.
Other names: c.2217_2218insAA, p.Leu740fs (NM_001374321.1, NM_172218.3); short protein forms L740fs.
Identifiers: ClinVar variation 3667593 (VCV003667593.2).